The following is an entry in ClinVar:

NM_001367624.2(ZNF469):c.10337A>C (p.Gln3446Pro)

Gene: ZNF469 (zinc finger protein 469; plus strand). Cytogenetic location: 16q24.2.
Variant type: single nucleotide variant.
Coding change: c.10337A>C on transcript NM_001367624.2 (MANE Select); coding-DNA position 10337, A replaced by C.
Protein change: p.Gln3446Pro; replaces glutamine 3446 with proline.
Molecular consequence: missense variant.
Genome position (GRCh38, 1-based): chr16:88,437,807, A>C. VCF-style: chr16-88437807-A-C. GRCh37 (hg19) VCF-style: chr16-88504215-A-C.
Other names: NM_001127464.1:c.10253A>C; short protein forms Q3446P.
Identifiers: ClinVar variation 3195971 (VCV003195971.3), dbSNP rs891535709, ClinGen allele CA286386611.

ClinVar aggregate classification (germline): Uncertain significance. Review status: criteria provided, multiple submitters, no conflicts (2 of 4 stars). 2 submissions from 2 submitters: Uncertain significance (2). Last evaluated 2026-06-15.

Conditions:
Cardiovascular phenotype. Identifiers: MedGen CN230736.

Allele frequency attached by ClinVar (database versions not stated): gnomAD exomes 0.00001.
gnomAD v4.1: 7 of 1,544,710 alleles (0.00045%); highest among the groups gnomAD compares: Non-Finnish European, 0.00061%; no homozygotes.

Submissions (2):

Women's Health and Genetics/Laboratory Corporation of America, LabCorp
Classification: Uncertain significance. Last evaluated: 2026-06-15. Review status: criteria provided, single submitter. Criteria: LabCorp Variant Classification Summary - May 2015. Collection method: clinical testing. Allele origin: germline.

Ambry Genetics
Classification: Uncertain significance for Cardiovascular phenotype. Last evaluated: 2025-01-21. Review status: criteria provided, single submitter. Criteria: Ambry Variant Classification Scheme 2023. Collection method: clinical testing. Allele origin: germline.
Comment: The p.Q3418P variant (also known as c.10253A>C), located in coding exon 2 of the ZNF469 gene, results from an A to C substitution at nucleotide position 10253. The glutamine at codon 3418 is replaced by proline, an amino acid with similar properties. This amino acid position is conserved. In addition, this alteration is predicted to be tolerated by in silico analysis. Based on the available evidence, the clinical significance of this variant remains unclear.